The following is an entry in ClinVar:

ClinVar aggregate classification (germline): Pathogenic (3 of 4 stars; one submission).

Conditions:
Glanzmann thrombasthenia. Also called: Thrombasthenia; BLEEDING DISORDER, PLATELET-TYPE, 2; THROMBASTHENIA OF GLANZMANN AND NAEGELI; PLATELET GLYCOPROTEIN IIb-IIIa DEFICIENCY; Glanzmann's thrombasthenia. Identifiers: Orphanet 849, MedGen C0040015, MONDO:0100326.

Submission:

ClinGen Platelet Disorders Variant Curation Expert Panel, ClinGen
Classification: Pathogenic for Glanzmann thrombasthenia. Last evaluated: 2023-11-02. Review status: reviewed by expert panel. Criteria: ClinGen Platelet ACMG Specifications v2-1. Collection method: curation. Allele origin: germline. Inheritance: Autosomal recessive inheritance.
Comment: The NM_000212.3:c.1053_1058del (p.Ile351_Gly353delinsMet) variant in ITGB3 is predicted to cause a change in the length of the protein due to an in-frame substitution of Ile351, Pro352, and Gly353 by a Methionine in a non-repeat region (PM4). Surface expression of β3 measured by flow cytometry (FACS) in CHO cells transiently co-transfected with the c.1053_1058del (p.Ile351_Gly353delinsMet) variant β3 and wild type αII showed decreased expression at 0% (<5%) WT levels, indicating that this variant impacts protein function (PMID: 9226167; PS3). This variant is absent from gnomAD v2.1.1 (PM2_Supporting). This variant has been detected in at least 4 probands with Glanzmann thrombasthenia (3 patients from PMID: 9226167, 1 patient from internal PD VCEP data). These individuals were all homozygous for the variant (PM3). At least one patient (Patient Z from internal PD VCEP data) with this variant displayed mucocutaneous bleeding and impaired aggregation with all agonists except ristocetin, which is highly specific for Glanzmann thrombasthenia. Additionally, αIIbβ3 surface expression was absent, as measured by flow cytometry. However, ITGA2B and ITGB3 were not reported to be sequenced across all exons and intron/exon boundaries (PP4_Moderate). In summary, this variant meets the criteria to be classified as Pathogenic for autosomal recessive Glanzmann Thrombasthenia based on the ACMG/AMP criteria applied, as specified by the ClinGen PD VCEP: PM4, PS3, PM2_Supporting, PP4_Moderate and PM3 (VCEP specifications version 2.1).

NM_000212.3(ITGB3):c.1053_1058del (p.Ile351_Gly353delinsMet)

Gene: ITGB3 (integrin subunit beta 3; plus strand). Cytogenetic location: 17q21.32.
Variant type: Deletion.
Coding change: c.1053_1058del on transcript NM_000212.3 (MANE Select); coding-DNA positions 1053 to 1058, 6 bases deleted (CCCAGG; older notation c.1053_1058delCCCAGG).
Protein change: p.Ile351_Gly353delinsMet.
Molecular consequence: inframe indel.
Genome position (GRCh38, 1-based): chr17:47,290,202-47,290,207, CCCAGG deleted. VCF-style (leftmost placement, unchanged base first): chr17-47290201-TCCCAGG-T. GRCh37 (hg19) VCF-style: chr17-45367567-TCCCAGG-T.
Other names: NM_000212.3:c.1053_1058del.
Identifiers: ClinVar variation 2674647 (VCV002674647.1), dbSNP rs2547618014, ClinGen allele CA915940648.